The following is an entry in ClinVar:

ClinVar aggregate classification (germline): Uncertain significance (1 of 4 stars; one submission).

Conditions:
Inborn genetic diseases. Identifiers: MedGen C0950123, MeSH D030342.

gnomAD v4.1: 1 of 1,614,002 alleles (0.000062%); highest among the groups gnomAD compares: Non-Finnish European, 0.000085%; no homozygotes.

Submission:

Ambry Genetics
Classification: Uncertain significance for Inborn genetic diseases. Last evaluated: 2025-11-15. Review status: criteria provided, single submitter. Criteria: Ambry Variant Classification Scheme 2023. Collection method: clinical testing. Allele origin: germline.
Comment: The p.K117N variant (also known as c.351A>T), located in coding exon 1 of the SAMD9 gene, results from an A to T substitution at nucleotide position 351. The lysine at codon 117 is replaced by asparagine, an amino acid with similar properties. This amino acid position is conserved. In addition, this alteration is predicted to be tolerated by in silico analysis. Based on the available evidence, the clinical significance of this variant remains unclear.

NM_017654.4(SAMD9):c.351A>T (p.Lys117Asn)

Gene: SAMD9 (sterile alpha motif domain containing 9; minus strand). Cytogenetic location: 7q21.2.
Variant type: single nucleotide variant.
Coding change: c.351A>T on transcript NM_017654.4 (MANE Select); coding-DNA position 351, A replaced by T.
Protein change: p.Lys117Asn; replaces lysine 117 with asparagine.
Molecular consequence: missense variant.
Genome position (GRCh38, 1-based): chr7:93,105,747, T>A on the plus strand (A>T on the coding strand, the complement: SAMD9 is on the minus strand). VCF-style: chr7-93105747-T-A. GRCh37 (hg19) VCF-style: chr7-92735060-T-A.
Other names: c.351A>T, p.Lys117Asn (NM_001193307.2); short protein forms K117N.
Identifiers: ClinVar variation 4629945 (VCV004629945.1).